The following is an entry in ClinVar:

NM_001278512.2(AP3B2):c.1780G>A (p.Ala594Thr)

Genes: AP3B2 (adaptor related protein complex 3 subunit beta 2; minus strand), CPEB1-AS1 (CPEB1 antisense RNA 1; plus strand). Cytogenetic location: 15q25.2.
Variant type: single nucleotide variant.
Coding change: c.1780G>A on transcript NM_001278512.2 (MANE Select); coding-DNA position 1780, G replaced by A.
Protein change: p.Ala594Thr; replaces alanine 594 with threonine.
Molecular consequence: missense variant.
Genome position (GRCh38, 1-based): chr15:82,666,819, C>T on the plus strand (G>A on the coding strand, the complement: AP3B2 is on the minus strand). VCF-style: chr15-82666819-C-T. GRCh37 (hg19) VCF-style: chr15-83335571-C-T.
Other names: c.1684G>A, p.Ala562Thr (NM_001278511.2); c.1780G>A, p.Ala594Thr (NM_004644.5); short protein forms A562T, A594T.
Identifiers: ClinVar variation 2002673 (VCV002002673.3), dbSNP rs2548700838, ClinGen allele CA393313916.
Genomic context (GRCh38, chr15:82,666,819, plus strand): 5'-ACTCCAAGACTGGAGCTGGTTTGGGTGCCAGGAAGAGCTTCTTGGCATGGCGGCTGAGGG[C>T]CCCACCCTGCTCGGAAGGGACGATGAGCTGCCGGGTGAAGCGCGCCCGGTCGCGAATATC-3'
Protein context (NP_001265441.1, residues 584-604): QLIVPSEQGG[Ala594Thr]LSRHAKKLFL

ClinVar aggregate classification (germline): Uncertain significance (1 of 4 stars; one submission).

Submission:

Labcorp Genetics (formerly Invitae), Labcorp
Classification: Uncertain significance. Last evaluated: 2022-07-15. Review status: criteria provided, single submitter. Criteria: Invitae Variant Classification Sherloc (09022015). Collection method: clinical testing. Allele origin: germline.
Comment: This sequence change replaces alanine, which is neutral and non-polar, with threonine, which is neutral and polar, at codon 594 of the AP3B2 protein (p.Ala594Thr). This variant is not present in population databases (gnomAD no frequency). This variant has not been reported in the literature in individuals affected with AP3B2-related conditions. Algorithms developed to predict the effect of missense changes on protein structure and function output the following: SIFT: "Tolerated"; PolyPhen-2: "Benign"; Align-GVGD: "Class C0". The threonine amino acid residue is found in multiple mammalian species, which suggests that this missense change does not adversely affect protein function. In summary, the available evidence is currently insufficient to determine the role of this variant in disease. Therefore, it has been classified as a Variant of Uncertain Significance.